The following is an entry in ClinVar:

ClinVar aggregate classification (germline): Pathogenic. Review status: reviewed by expert panel (3 of 4 stars). 13 submissions from 13 submitters: Pathogenic (1). 12 of the submissions do not count toward it. Last evaluated 2016-09-08.

Conditions:
Hereditary breast ovarian cancer syndrome. Also called: Hereditary breast and ovarian cancer syndrome; Hereditary breast and ovarian cancer; Hereditary breast and ovarian cancer syndrome (HBOC); Breast and ovarian cancer; Hereditary breast and/or ovarian cancer syndrome; BRCA1- and BRCA2-Associated Hereditary Breast and Ovarian Cancer. Identifiers: Orphanet 145, MedGen C0677776, MeSH D061325, MONDO:0003582. Disease mechanism: loss of function.
Hereditary cancer-predisposing syndrome. Also called: Neoplastic Syndromes, Hereditary; Tumor predisposition; Hereditary neoplastic syndrome; Hereditary Cancer Syndrome. Identifiers: Orphanet 140162, MedGen C0027672, MeSH D009386, MONDO:0015356.
Breast-ovarian cancer, familial, susceptibility to, 2 (BROVCA2). Also called: BRCA2 Hereditary Breast and Ovarian Cancer. Identifiers: Orphanet 145, MedGen C2675520, MONDO:0012933, OMIM 612555. Disease mechanism: loss of function.

Submissions (13):

Evidence-based Network for the Interpretation of Germline Mutant Alleles (ENIGMA)
Classification: Pathogenic for Breast-ovarian cancer, familial, susceptibility to, 2. Last evaluated: 2016-09-08. Review status: reviewed by expert panel. Criteria: ENIGMA BRCA1/2 Classification Criteria (2015). Collection method: curation. Allele origin: germline.
Comment: Variant allele predicted to encode a truncated non-functional protein.

Women's Health and Genetics/Laboratory Corporation of America, LabCorp
Classification: Pathogenic for Hereditary breast ovarian cancer syndrome. Last evaluated: 2026-01-07. Review status: criteria provided, single submitter. Criteria: LabCorp Variant Classification Summary - May 2015. Collection method: clinical testing. Allele origin: germline. Not counted in ClinVar's aggregate classification.
Comment: Variant summary: BRCA2 c.7025_7026delAA (p.Gln2342ArgfsX17) results in a premature termination codon, predicted to cause a truncation of the encoded protein or absence of the protein due to nonsense mediated decay, which are commonly known mechanisms for disease. The variant was absent in 250660 control chromosomes. c.7025_7026delAA has been observed in individual(s) affected with Hereditary Breast And Ovarian Cancer Syndrome (e.g. Borg_2010, Schoumacher_2001, Schneegans_2012, Friedman_1997). These data indicate that the variant is likely to be associated with disease. To our knowledge, no experimental evidence demonstrating an impact on protein function has been reported. The following publications have been ascertained in the context of this evaluation (PMID: 20104584, 11400546, 22160602, 9012404).ClinVar contains an entry for this variant (Variation ID: 52251). Based on the evidence outlined above, the variant was classified as pathogenic.

Institute of Human Genetics, University of Leipzig Medical Center
Classification: Pathogenic for Breast-ovarian cancer, familial, susceptibility to, 2. Last evaluated: 2025-06-26. Review status: criteria provided, single submitter. Criteria: ACMG Guidelines, 2015. Collection method: clinical testing. Allele origin: unknown. Inheritance: Autosomal dominant inheritance. Affected: yes. Not counted in ClinVar's aggregate classification.
Comment: Criteria applied: PVS1,PM5_STR,PM2_SUP

Ambry Genetics
Classification: Pathogenic for Hereditary cancer-predisposing syndrome. Last evaluated: 2024-11-11. Review status: criteria provided, single submitter. Criteria: Ambry Variant Classification Scheme 2023. Collection method: clinical testing. Allele origin: germline. Not counted in ClinVar's aggregate classification.
Comment: The c.7025_7026delAA pathogenic mutation, located in coding exon 13 of the BRCA2 gene, results from a deletion of two nucleotides at nucleotide positions 7025 to 7026, causing a translational frameshift with a predicted alternate stop codon (p.Q2342Rfs*17). This mutation has been reported in individuals diagnosed with breast cancer (Friedman LS et al. Am. J. Hum. Genet., 1997 Feb;60:313-9; Schoumacher F et al. Swiss Med Wkly, 2001 Apr;131:223-6; Borg A et al. Hum Mutat, 2010 Mar;31:E1200-40; Schneegans SM et al. Fam Cancer, 2012 Jun;11:181-8; eMERGE Consortium et al. Am J Hum Genet, 2019 09;105:588-605; Yadav S et al. J Clin Oncol, 2020 05;38:1409-1418). This alteration is expected to result in loss of function by premature protein truncation or nonsense-mediated mRNA decay. As such, this alteration is interpreted as a disease-causing mutation.

Labcorp Genetics (formerly Invitae), Labcorp
Classification: Pathogenic for Hereditary breast ovarian cancer syndrome. Last evaluated: 2024-09-11. Review status: criteria provided, single submitter. Criteria: Invitae Variant Classification Sherloc (09022015). Collection method: clinical testing. Allele origin: germline. Not counted in ClinVar's aggregate classification.
Comment: This sequence change creates a premature translational stop signal (p.Gln2342Argfs*17) in the BRCA2 gene. It is expected to result in an absent or disrupted protein product. Loss-of-function variants in BRCA2 are known to be pathogenic (PMID: 20104584). This variant is not present in population databases (gnomAD no frequency). This premature translational stop signal has been observed in individual(s) with breast cancer (PMID: 9012404, 20104584). ClinVar contains an entry for this variant (Variation ID: 52251). For these reasons, this variant has been classified as Pathogenic.

Color Diagnostics, LLC DBA Color Health
Classification: Pathogenic for Hereditary cancer-predisposing syndrome. Last evaluated: 2020-01-15. Review status: criteria provided, single submitter. Criteria: ACMG Guidelines, 2015. Collection method: clinical testing. Allele origin: germline. Not counted in ClinVar's aggregate classification.
Comment: This variant deletes 2 nucleotides in exon 14 of the BRCA2 gene, creating a frameshift and premature translation stop signal. This variant is expected to result in an absent or non-functional protein product. This variant has not been identified in the general population by the Genome Aggregation Database (gnomAD). Loss of BRCA2 function is a known mechanism of disease. Based on the available evidence, this variant is classified as Pathogenic.

Clinical Genetics and Genomics, Karolinska University Hospital
Classification: Pathogenic. Last evaluated: 2019-06-05. Review status: criteria provided, single submitter. Criteria: ACMG Guidelines, 2015. Collection method: clinical testing. Allele origin: germline. Affected: yes. Observed: 1 variant allele. Not counted in ClinVar's aggregate classification.

GeneDx
Classification: Pathogenic. Last evaluated: 2017-11-09. Review status: criteria provided, single submitter. Criteria: GeneDx Variant Classification (06012015). Collection method: clinical testing. Allele origin: germline. Affected: yes. Not counted in ClinVar's aggregate classification.
Comment: This deletion of two nucleotides in BRCA2 is denoted c.7025_7026delAA at the cDNA level and p.Gln2342ArgfsX17 (Q2342RfsX17) at the protein level. The normal sequence, with the bases that are deleted in braces, is CGTC[AA]GAGA. The deletion causes a frameshift, which changes a Glutamine to an Arginine at codon 2342, and creates a premature stop codon at position 17 of the new reading frame. This variant is predicted to cause loss of normal protein function through either protein truncation or nonsense-mediated mRNA decay. BRCA2 c.7025_7026delAA, also reported as 7253delAA using alternate nomenclature, has been reported in individuals with early-onset, familial, male, and bilateral breast cancer (Friedman 1997, Schoumacher 2001, Borg 2010). We consider this variant to be pathogenic.

Consortium of Investigators of Modifiers of BRCA1/2 (CIMBA), c/o University of Cambridge
Classification: Pathogenic for Breast-ovarian cancer, familial, susceptibility to, 2. Last evaluated: 2015-10-02. Review status: criteria provided, single submitter. Criteria: CIMBA Mutation Classification guidelines May 2016. Collection method: clinical testing. Allele origin: germline. Not counted in ClinVar's aggregate classification.

Quest Diagnostics Nichols Institute San Juan Capistrano
Classification: Pathogenic. Last evaluated: 2015-02-09. Review status: criteria provided, single submitter. Criteria: Quest Diagnostics criteria. Collection method: clinical testing. Allele origin: germline. Not counted in ClinVar's aggregate classification.

BRCAlab, Lund University
Classification: Pathogenic for Breast-ovarian cancer, familial, susceptibility to, 2. Last evaluated: 2020-03-02. Review status: no assertion criteria provided. Collection method: clinical testing. Allele origin: germline. Affected: yes. Not counted in ClinVar's aggregate classification.

Sharing Clinical Reports Project (SCRP)
Classification: Pathogenic for Breast-ovarian cancer, familial 2. Last evaluated: 2007-10-31. Review status: no assertion criteria provided. Collection method: clinical testing. Allele origin: germline. Not counted in ClinVar's aggregate classification.

Breast Cancer Information Core (BIC) (BRCA2)
Classification: Pathogenic for Breast-ovarian cancer, familial 2. Last evaluated: 2002-05-29. Review status: no assertion criteria provided. Collection method: clinical testing. Allele origin: germline, unknown. Affected: yes. Observed: 5 variant alleles. Not counted in ClinVar's aggregate classification.

Literature cited by the submitters: PubMed 20104584 (cited by 3 submitters); PubMed 21520273 (cited by Women's Health and Genetics/Laboratory Corporation of America, LabCorp); PubMed 11400546 (cited by Women's Health and Genetics/Laboratory Corporation of America, LabCorp and Ambry Genetics); PubMed 22160602 (cited by Women's Health and Genetics/Laboratory Corporation of America, LabCorp and Ambry Genetics); PubMed 9012404 (cited by 4 submitters); PubMed 31447099 (cited by Ambry Genetics); PubMed 32125938 (cited by Ambry Genetics); PubMed 26295337 (cited by Quest Diagnostics Nichols Institute San Juan Capistrano).

NM_000059.4(BRCA2):c.7025_7026del (p.Gln2342fs)

Gene: BRCA2 (BRCA2 DNA repair associated; plus strand). Cytogenetic location: 13q13.1.
Variant type: Deletion.
Coding change: c.7025_7026del on transcript NM_000059.4 (MANE Select); coding-DNA positions 7025 to 7026, 2 bases deleted (AA; older notation c.7025_7026delAA).
Protein change: p.Gln2342fs; shifts the reading frame from glutamine 2342.
Molecular consequence: frameshift variant.
Genome position (GRCh38, 1-based): chr13:32,354,878-32,354,879, AA deleted. VCF-style (leftmost placement, unchanged base first): chr13-32354877-CAA-C. GRCh37 (hg19) VCF-style: chr13-32929014-CAA-C.
Other names: 7253delAA; c.7025_7026delAA (NM_000059.3).
Identifiers: ClinVar variation 52251 (VCV000052251.29), dbSNP rs80359634, ClinGen allele CA024768.